The following is an entry in ClinVar:

ClinVar aggregate classification (germline): Uncertain significance (1 of 4 stars; one submission).

gnomAD v4.1: 1 of 1,532,942 alleles (0.000065%); highest among the groups gnomAD compares: South Asian, 0.0012%; no homozygotes.

Submission:

GeneDx
Classification: Uncertain significance. Last evaluated: 2018-02-01. Review status: criteria provided, single submitter. Criteria: GeneDx Variant Classification (06012015). Collection method: clinical testing. Allele origin: germline. Affected: yes.
Comment: The G8C variant has not been published as a pathogenic variant, nor has it been reported as a benign variant to our knowledge. The G8C variant is not observed in large population cohorts (Lek et al., 2016; 1000 Genomes Consortium et al., 2015; Exome Variant Server). This substitution occurs at a position where amino acids with similar properties to Glycine are tolerated across species. However, this variant is a non-conservative amino acid substitution, which is likely to impact secondary protein structure as these residues differ in polarity, charge, size and/or other properties. Additionally, in silico analysis predicts this variant is probably damaging to the protein structure/function.

NM_172107.4(KCNQ2):c.22G>T (p.Gly8Cys)

Gene: KCNQ2 (potassium voltage-gated channel subfamily Q member 2; minus strand). Cytogenetic location: 20q13.33.
Variant type: single nucleotide variant.
Coding change: c.22G>T on transcript NM_172107.4 (MANE Select); coding-DNA position 22, G replaced by T.
Protein change: p.Gly8Cys; replaces glycine 8 with cysteine.
Molecular consequence: missense variant.
Genome position (GRCh38, 1-based): chr20:63,472,442, C>A on the plus strand (G>T on the coding strand, the complement: KCNQ2 is on the minus strand). VCF-style: chr20-63472442-C-A. GRCh37 (hg19) VCF-style: chr20-62103795-C-A.
Other names: c.22G>T, p.Gly8Cys (NM_004518.6, NM_172106.3, NM_172108.5 and 1 more transcripts); short protein forms G8C.
Identifiers: ClinVar variation 450703 (VCV000450703.2), dbSNP rs769045070, ClinGen allele CA317424015.
Genomic context (GRCh38, chr20:63,472,442, plus strand): 5'-CCAGCCCCACGAAGCCCACCTTCAGCTTCTTCTCCCCGCTCGGGCCGGGGTATACGCCGC[C>A]GTTGCGCGACTTCTGCACCATGGTGCCTGGCGGGAGGCGCCCCGGGTCGGGCTCAGGCTC-3'
Protein context (NP_742105.1, residues 1-18): MVQKSRN[Gly8Cys]GVYPGPSGEK